The following is an entry in ClinVar:

NM_000059.4(BRCA2):c.3274T>C (p.Phe1092Leu)

Gene: BRCA2 (BRCA2 DNA repair associated; plus strand). Cytogenetic location: 13q13.1.
Variant type: single nucleotide variant.
Coding change: c.3274T>C on transcript NM_000059.4 (MANE Select); coding-DNA position 3274, T replaced by C.
Protein change: p.Phe1092Leu; replaces phenylalanine 1092 with leucine.
Molecular consequence: missense variant.
Genome position (GRCh38, 1-based): chr13:32,337,629, T>C. VCF-style: chr13-32337629-T-C. GRCh37 (hg19) VCF-style: chr13-32911766-T-C.
Other names: short protein forms F1092L.
Identifiers: ClinVar variation 576954 (VCV000576954.12), dbSNP rs1566228206, ClinGen allele CA387776066.

ClinVar aggregate classification (germline): Conflicting classifications of pathogenicity. Review status: criteria provided, conflicting classifications (1 of 4 stars). 3 submissions from 3 submitters: Uncertain significance (2); Likely benign (1). Last evaluated 2024-11-07.

Conditions:
Hereditary cancer-predisposing syndrome. Also called: Tumor predisposition; Hereditary neoplastic syndrome; Hereditary Cancer Syndrome; Neoplastic Syndromes, Hereditary. Identifiers: Orphanet 140162, MedGen C0027672, MeSH D009386, MONDO:0015356.
Hereditary breast ovarian cancer syndrome. Also called: Hereditary breast and ovarian cancer; Breast and ovarian cancer; Hereditary breast and ovarian cancer syndrome; BRCA1- and BRCA2-Associated Hereditary Breast and Ovarian Cancer; Hereditary breast and/or ovarian cancer syndrome; Hereditary breast and ovarian cancer syndrome (HBOC). Identifiers: Orphanet 145, MedGen C0677776, MeSH D061325, MONDO:0003582. Disease mechanism: loss of function.

Submissions (3):

Labcorp Genetics (formerly Invitae), Labcorp
Classification: Uncertain significance for Hereditary breast ovarian cancer syndrome. Last evaluated: 2024-11-07. Review status: criteria provided, single submitter. Criteria: Invitae Variant Classification Sherloc (09022015). Collection method: clinical testing. Allele origin: germline.
Comment: This sequence change replaces phenylalanine, which is neutral and non-polar, with leucine, which is neutral and non-polar, at codon 1092 of the BRCA2 protein (p.Phe1092Leu). This variant is not present in population databases (gnomAD no frequency). This variant has not been reported in the literature in individuals affected with BRCA2-related conditions. ClinVar contains an entry for this variant (Variation ID: 576954). Invitae Evidence Modeling of protein sequence and biophysical properties (such as structural, functional, and spatial information, amino acid conservation, physicochemical variation, residue mobility, and thermodynamic stability) indicates that this missense variant is not expected to disrupt BRCA2 protein function with a negative predictive value of 95%. In summary, the available evidence is currently insufficient to determine the role of this variant in disease. Therefore, it has been classified as a Variant of Uncertain Significance.

University of Washington Department of Laboratory Medicine, University of Washington
Classification: Likely benign for Hereditary cancer-predisposing syndrome. Last evaluated: 2023-03-23. Review status: criteria provided, single submitter. Criteria: Dines et al. (Genet Med. 2020). Collection method: curation. Allele origin: germline.
Comment: Missense variant in a coldspot region where missense variants are very unlikely to be pathogenic (PMID:31911673).

BRCA2 exon 11 coldspot. Reclassification based on statistical prior probability.

Ambry Genetics
Classification: Uncertain significance for Hereditary cancer-predisposing syndrome. Last evaluated: 2021-07-28. Review status: criteria provided, single submitter. Criteria: Ambry Variant Classification Scheme 2023. Collection method: clinical testing. Allele origin: germline.
Comment: The p.F1092L variant (also known as c.3274T>C), located in coding exon 10 of the BRCA2 gene, results from a T to C substitution at nucleotide position 3274. The phenylalanine at codon 1092 is replaced by leucine, an amino acid with highly similar properties. This amino acid position is poorly conserved in available vertebrate species. In addition, this alteration is predicted to be tolerated by in silico analysis. Since supporting evidence is limited at this time, the clinical significance of this alteration remains unclear.